The following is an entry in ClinVar:

ClinVar aggregate classification (germline): Likely benign. Review status: criteria provided, multiple submitters, no conflicts (2 of 4 stars). 4 submissions from 4 submitters: Likely benign (2). 2 of the submissions do not count toward it. Last evaluated 2026-01-25.

Conditions:
Meckel-Gruber syndrome. Also called: DYSENCEPHALIA SPLANCHNOCYSTICA; GRUBER SYNDROME; Dysencephalia splachnocystica. Identifiers: Orphanet 564, MedGen C0265215, MONDO:0018921.
Joubert syndrome. Also called: JOUBERT-BOLTSHAUSER SYNDROME; Familial aplasia of the vermis. Identifiers: Orphanet 475, MedGen C5979921, MONDO:0018772.
MKS1-related disorder. Also called: MKS1-related condition; MKS1-related disorders. Identifiers: MedGen CN239382.
Meckel syndrome, type 1 (MKS1). Also called: MECKEL-GRUBER SYNDROME, TYPE 1. Identifiers: Orphanet 564, MedGen C3714506, MONDO:0009571, OMIM 249000.

Allele frequency attached by ClinVar (database versions not stated): gnomAD 0.00002 and 0.00003; TOPMed 0.00004; gnomAD exomes 0.00006 and 0.00014; ExAC 0.00009; 1000 Genomes Project 30x 0.00016; 1000 Genomes Project 0.00020.
gnomAD v4.1: 89 of 1,614,078 alleles (0.0055%); highest among the groups gnomAD compares: East Asian, 0.19%; no homozygotes.

Submissions (4):

Labcorp Genetics (formerly Invitae), Labcorp
Classification: Likely benign for Joubert syndrome; Meckel-Gruber syndrome. Last evaluated: 2026-01-25. Review status: criteria provided, single submitter. Criteria: Invitae Variant Classification Sherloc (09022015). Collection method: clinical testing. Allele origin: germline.

Blueprint Genetics
Classification: Likely benign. Last evaluated: 2023-08-11. Review status: criteria provided, single submitter. Criteria: ACMG Guidelines, 2015. Collection method: clinical testing. Allele origin: germline.

Natera, Inc.
Classification: Likely benign for Meckel syndrome type 1. Last evaluated: 2021-06-25. Review status: no assertion criteria provided. Collection method: clinical testing. Allele origin: germline. Not counted in ClinVar's aggregate classification.

PreventionGenetics, part of Exact Sciences
Classification: Likely benign for MKS1-related condition. Last evaluated: 2021-06-18. Review status: no assertion criteria provided. Collection method: clinical testing. Allele origin: germline. Not counted in ClinVar's aggregate classification.
Comment: This variant is classified as likely benign based on ACMG/AMP sequence variant interpretation guidelines (Richards et al. 2015 PMID: 25741868, with internal and published modifications).

NM_017777.4(MKS1):c.1233T>C (p.Arg411=)

Gene: MKS1 (MKS transition zone complex subunit 1; minus strand). Cytogenetic location: 17q22.
Variant type: single nucleotide variant.
Coding change: c.1233T>C on transcript NM_017777.4 (MANE Select); coding-DNA position 1233, T replaced by C.
Protein change: p.Arg411=; no amino-acid change (arginine 411 retained).
Molecular consequence: synonymous variant.
Genome position (GRCh38, 1-based): chr17:58,207,934, A>G on the plus strand (T>C on the coding strand, the complement: MKS1 is on the minus strand). VCF-style: chr17-58207934-A-G. GRCh37 (hg19) VCF-style: chr17-56285295-A-G.
Other names: c.624T>C, p.Arg208= (NM_001321268.2); c.1233T>C, p.Arg411= (NM_001321269.2, NM_001330397.2).
Identifiers: ClinVar variation 700552 (VCV000700552.15), dbSNP rs201128765, ClinGen allele CA8669223.